The following is an entry in ClinVar:

ClinVar aggregate classification (germline): Likely benign (0 of 4 stars; one submission).

Conditions:
LRP4-related disorder. Also called: LRP4-related condition.

Submission:

PreventionGenetics, part of Exact Sciences
Classification: Likely benign for LRP4-related condition. Last evaluated: 2019-02-28. Review status: no assertion criteria provided. Collection method: clinical testing. Allele origin: germline.
Comment: This variant is classified as likely benign based on ACMG/AMP sequence variant interpretation guidelines (Richards et al. 2015 PMID: 25741868, with internal and published modifications).

NM_002334.4(LRP4):c.1089T>C (p.Gly363=)

Gene: LRP4 (LDL receptor related protein 4; minus strand). Cytogenetic location: 11p11.2.
Variant type: single nucleotide variant.
Coding change: c.1089T>C on transcript NM_002334.4 (MANE Select); coding-DNA position 1089, T replaced by C.
Protein change: p.Gly363=; no amino-acid change (glycine 363 retained).
Molecular consequence: synonymous variant.
Genome position (GRCh38, 1-based): chr11:46,895,978, A>G on the plus strand (T>C on the coding strand, the complement: LRP4 is on the minus strand). VCF-style: chr11-46895978-A-G. GRCh37 (hg19) VCF-style: chr11-46917529-A-G.
Identifiers: ClinVar variation 3352926 (VCV003352926.1).